The following is an entry in ClinVar:

NM_005726.6(TSFM):c.88C>T (p.Pro30Ser)

Gene: TSFM (Ts translation elongation factor, mitochondrial; plus strand). Cytogenetic location: 12q14.1.
Variant type: single nucleotide variant.
Coding change: c.88C>T on transcript NM_005726.6 (MANE Select); coding-DNA position 88, C replaced by T.
Protein change: p.Pro30Ser; replaces proline 30 with serine.
Molecular consequence: missense variant.
Genome position (GRCh38, 1-based): chr12:57,783,140, C>T. VCF-style: chr12-57783140-C-T. GRCh37 (hg19) VCF-style: chr12-58176923-C-T.
Other names: c.88C>T, p.Pro30Ser (NM_001172695.2, NM_001172696.2, NM_001172697.2); short protein forms P30S.
Identifiers: ClinVar variation 1895979 (VCV001895979.2), dbSNP rs2540942790, ClinGen allele CA385523331.

ClinVar aggregate classification (germline): Uncertain significance (1 of 4 stars; one submission).

Submission:

Labcorp Genetics (formerly Invitae), Labcorp
Classification: Uncertain significance. Last evaluated: 2021-12-09. Review status: criteria provided, single submitter. Criteria: Invitae Variant Classification Sherloc (09022015). Collection method: clinical testing. Allele origin: germline.
Comment: This sequence change replaces proline, which is neutral and non-polar, with serine, which is neutral and polar, at codon 30 of the TSFM protein (p.Pro30Ser). This variant is not present in population databases (gnomAD no frequency). This variant has not been reported in the literature in individuals affected with TSFM-related conditions. Algorithms developed to predict the effect of missense changes on protein structure and function output the following: SIFT: "Tolerated"; PolyPhen-2: "Benign"; Align-GVGD: "Class C0". The serine amino acid residue is found in multiple mammalian species, which suggests that this missense change does not adversely affect protein function. In summary, the available evidence is currently insufficient to determine the role of this variant in disease. Therefore, it has been classified as a Variant of Uncertain Significance.